The following is an entry in ClinVar:

NM_006206.6(PDGFRA):c.82C>G (p.Pro28Ala)

Gene: PDGFRA (platelet derived growth factor receptor alpha; plus strand). Cytogenetic location: 4q12.
Variant type: single nucleotide variant.
Coding change: c.82C>G on transcript NM_006206.6 (MANE Select); coding-DNA position 82, C replaced by G.
Protein change: p.Pro28Ala; replaces proline 28 with alanine.
Molecular consequence: missense variant.
Genome position (GRCh38, 1-based): chr4:54,261,127, C>G. VCF-style: chr4-54261127-C-G. GRCh37 (hg19) VCF-style: chr4-55127294-C-G.
Other names: c.82C>G, p.Pro28Ala (NM_001347827.2, NM_001347829.2); c.157C>G, p.Pro53Ala (NM_001347828.2); c.121C>G, p.Pro41Ala (NM_001347830.2); short protein forms P28A, P41A, P53A.
Identifiers: ClinVar variation 3416427 (VCV003416427.1).

ClinVar aggregate classification (germline): Uncertain significance (1 of 4 stars; one submission).

Conditions:
Hereditary cancer-predisposing syndrome. Also called: Neoplastic Syndromes, Hereditary; Tumor predisposition; Hereditary Cancer Syndrome; Hereditary neoplastic syndrome. Identifiers: Orphanet 140162, MedGen C0027672, MeSH D009386, MONDO:0015356.

Submission:

Ambry Genetics
Classification: Uncertain significance for Hereditary cancer-predisposing syndrome. Last evaluated: 2024-10-04. Review status: criteria provided, single submitter. Criteria: Ambry Variant Classification Scheme 2023. Collection method: clinical testing. Allele origin: germline.
Comment: The p.P28A variant (also known as c.82C>G), located in coding exon 2 of the PDGFRA gene, results from a C to G substitution at nucleotide position 82. The proline at codon 28 is replaced by alanine, an amino acid with highly similar properties. This amino acid position is conserved. In addition, the in silico prediction for this alteration is inconclusive. Based on the available evidence, the clinical significance of this variant remains unclear.